The following is an entry in ClinVar:

ClinVar aggregate classification (germline): Uncertain significance (1 of 4 stars; one submission).

Conditions:
Spastic ataxia 2. Also called: Ataxia, spastic, 2, autosomal recessive. Identifiers: Orphanet 397946, MedGen C1969796, MONDO:0012651, OMIM 611302.

Submission:

Labcorp Genetics (formerly Invitae), Labcorp
Classification: Uncertain significance for Spastic ataxia 2. Last evaluated: 2021-02-10. Review status: criteria provided, single submitter. Criteria: Invitae Variant Classification Sherloc (09022015). Collection method: clinical testing. Allele origin: germline.
Comment: In summary, the available evidence is currently insufficient to determine the role of this variant in disease. Therefore, it has been classified as a Variant of Uncertain Significance. Algorithms developed to predict the effect of missense changes on protein structure and function are either unavailable or do not agree on the potential impact of this missense change (SIFT: "Deleterious"; PolyPhen-2: "Benign"; Align-GVGD: "Class C0"). This variant has not been reported in the literature in individuals with KIF1C-related conditions. This variant is not present in population databases (ExAC no frequency). This sequence change replaces leucine with histidine at codon 866 of the KIF1C protein (p.Leu866His). The leucine residue is moderately conserved and there is a moderate physicochemical difference between leucine and histidine.

NM_006612.6(KIF1C):c.2597T>A (p.Leu866His)

Gene: KIF1C (kinesin family member 1C; plus strand). Cytogenetic location: 17p13.2.
Variant type: single nucleotide variant.
Coding change: c.2597T>A on transcript NM_006612.6 (MANE Select); coding-DNA position 2597, T replaced by A.
Protein change: p.Leu866His; replaces leucine 866 with histidine.
Molecular consequence: missense variant.
Genome position (GRCh38, 1-based): chr17:5,022,678, T>A. VCF-style: chr17-5022678-T-A. GRCh37 (hg19) VCF-style: chr17-4925973-T-A.
Other names: short protein forms L866H.
Identifiers: ClinVar variation 1508486 (VCV001508486.8), dbSNP rs2143389526, ClinGen allele CA397315956.